The following is an entry in ClinVar:

NM_024537.4(CARS2):c.991T>G (p.Phe331Val)

Gene: CARS2 (cysteinyl-tRNA synthetase 2, mitochondrial; minus strand). Cytogenetic location: 13q34.
Variant type: single nucleotide variant.
Coding change: c.991T>G on transcript NM_024537.4 (MANE Select); coding-DNA position 991, T replaced by G.
Protein change: p.Phe331Val; replaces phenylalanine 331 with valine.
Molecular consequence: missense variant. On other transcripts: non-coding transcript variant (2).
Genome position (GRCh38, 1-based): chr13:110,651,097, A>C on the plus strand (T>G on the coding strand, the complement: CARS2 is on the minus strand). VCF-style: chr13-110651097-A-C. GRCh37 (hg19) VCF-style: chr13-111303444-A-C.
Other names: c.205T>G, p.Phe69Val (NM_001352252.2); short protein forms F69V, F331V.
Identifiers: ClinVar variation 1506552 (VCV001506552.8), dbSNP rs2139700565, ClinGen allele CA388745144.
Genomic context (GRCh38, chr13:110,651,097, plus strand): 5'-AGCGGTAGCTGCTCCGCAGGCAGAAGAACCGGAAGACATCGGGGGAAAAGGTCTTCAGAA[A>C]GTCCTGGTAAAGCGAGAGACAGGCAGTCACGAGGCTTTGCTTTTACGCTTCGCACTGTTC-3'
Protein context (NP_078813.1, residues 321-341): SLKNYITIKD[Phe331Val]LKTFSPDVFR

ClinVar aggregate classification (germline): Uncertain significance (1 of 4 stars; one submission).

Conditions:
Combined oxidative phosphorylation defect type 27. Also called: Combined oxidative phosphorylation deficiency 27. Identifiers: Orphanet 477774, MedGen C5567608, MONDO:0014728, OMIM 616672.

Submission:

Labcorp Genetics (formerly Invitae), Labcorp
Classification: Uncertain significance for Combined oxidative phosphorylation defect type 27. Last evaluated: 2022-02-03. Review status: criteria provided, single submitter. Criteria: Invitae Variant Classification Sherloc (09022015). Collection method: clinical testing. Allele origin: germline.
Comment: This variant has not been reported in the literature in individuals affected with CARS2-related conditions. In summary, the available evidence is currently insufficient to determine the role of this variant in disease. Therefore, it has been classified as a Variant of Uncertain Significance. Algorithms developed to predict the effect of missense changes on protein structure and function are either unavailable or do not agree on the potential impact of this missense change (SIFT: "Tolerated"; PolyPhen-2: "Probably Damaging"; Align-GVGD: "Class C0"). This variant is not present in population databases (gnomAD no frequency). This sequence change replaces phenylalanine, which is neutral and non-polar, with valine, which is neutral and non-polar, at codon 331 of the CARS2 protein (p.Phe331Val).